The following is an entry in ClinVar:

ClinVar aggregate classification (germline): Conflicting classifications of pathogenicity. Review status: criteria provided, conflicting classifications (1 of 4 stars). 2 submissions from 2 submitters: Uncertain significance (1); Benign (1). Last evaluated 2019-07-31.

Conditions:
Collagen 6-related myopathy. Identifiers: MedGen CN117976, MONDO:0100225.
Bethlem myopathy 1A. Also called: MYOPATHY, BENIGN CONGENITAL, WITH CONTRACTURES; Bethlem myopathy 1; Bethlem Muscular Dystrophy. Identifiers: Orphanet 610, MedGen CN029274, MONDO:0024530, OMIM 158810.

Allele frequency attached by ClinVar (database versions not stated): gnomAD 0.00001; TOPMed 0.00002; ExAC 0.00003.
gnomAD v4.1: 7 of 1,613,048 alleles (0.00043%); highest among the groups gnomAD compares: East Asian, 0.016%; no homozygotes.

Submissions (2):

Labcorp Genetics (formerly Invitae), Labcorp
Classification: Uncertain significance for Bethlem myopathy 1A. Last evaluated: 2019-07-31. Review status: criteria provided, single submitter. Criteria: Invitae Variant Classification Sherloc (09022015). Collection method: clinical testing. Allele origin: germline.
Comment: This sequence change replaces histidine with glutamine at codon 100 of the COL6A2 protein (p.His100Gln). The histidine residue is moderately conserved and there is a small physicochemical difference between histidine and glutamine. This variant is present in population databases (rs765941470, ExAC 0.03%). This variant has not been reported in the literature in individuals with COL6A2-related conditions. Algorithms developed to predict the effect of missense changes on protein structure and function are either unavailable or do not agree on the potential impact of this missense change (SIFT: "Deleterious"; PolyPhen-2: "Possibly Damaging"; Align-GVGD: "Class C0"). Algorithms developed to predict the effect of sequence changes on RNA splicing suggest that this variant may create or strengthen a splice site, but this prediction has not been confirmed by published transcriptional studies. In summary, the available evidence is currently insufficient to determine the role of this variant in disease. Therefore, it has been classified as a Variant of Uncertain Significance.

Illumina Laboratory Services, Illumina
Classification: Benign for Collagen VI-related myopathy. Last evaluated: 2018-01-12. Review status: criteria provided, single submitter. Criteria: ICSL Variant Classification Criteria 13 December 2019. Collection method: clinical testing. Allele origin: germline.
Comment: This variant was observed in the ICSL laboratory as part of a predisposition screen in an ostensibly healthy population. It had not been previously curated by ICSL or reported in the Human Gene Mutation Database (HGMD: prior to June 1st, 2018), and was therefore a candidate for classification through an automated scoring system. Utilizing variant allele frequency, disease prevalence and penetrance estimates, and inheritance mode, an automated score was calculated to assess if this variant is too frequent to cause the disease. Based on the score and internal cut-off values, a variant classified as benign is not then subjected to further curation. The score for this variant resulted in a classification of benign for this disease.

NM_001849.4(COL6A2):c.300C>G (p.His100Gln)

Gene: COL6A2 (collagen type VI alpha 2 chain; plus strand). Cytogenetic location: 21q22.3.
Variant type: single nucleotide variant.
Coding change: c.300C>G on transcript NM_001849.4 (MANE Select); coding-DNA position 300, C replaced by G.
Protein change: p.His100Gln; replaces histidine 100 with glutamine.
Molecular consequence: missense variant.
Genome position (GRCh38, 1-based): chr21:46,112,163, C>G. VCF-style: chr21-46112163-C-G. GRCh37 (hg19) VCF-style: chr21-47532077-C-G.
Other names: c.300C>G, p.His100Gln (NM_058174.3, NM_058175.3); short protein forms H100Q.
Identifiers: ClinVar variation 897849 (VCV000897849.13), dbSNP rs765941470, ClinGen allele CA10071257.
Genomic context (GRCh38, chr21:46,112,163, plus strand): 5'-GCTGCAGAACGAGTTCTACCTGGACCAGGTGGCGCTGAGCTGGCGCTACGGCGGCCTGCA[C>G]TTCTCTGACCAGGTGGAGGTGTTCAGCCCACCGGGCAGCGACCGGGCCTCCTTCATCAAG-3'
Protein context (NP_001840.3, residues 90-110): VALSWRYGGL[His100Gln]FSDQVEVFSP